The following is an entry in ClinVar:

NM_001281740.3(FHOD3):c.2424C>T (p.Asn808=)

Gene: FHOD3 (formin homology 2 domain containing 3; plus strand). Cytogenetic location: 18q12.2.
Variant type: single nucleotide variant.
Coding change: c.2424C>T on transcript NM_001281740.3 (MANE Select); coding-DNA position 2424, C replaced by T.
Protein change: p.Asn808=; no amino-acid change (asparagine 808 retained).
Molecular consequence: synonymous variant.
Genome position (GRCh38, 1-based): chr18:36,709,282, C>T. VCF-style: chr18-36709282-C-T. GRCh37 (hg19) VCF-style: chr18-34289245-C-T.
Other names: c.1848C>T, p.Asn616= (NM_001281739.3); c.1899C>T, p.Asn633= (NM_025135.5).
Identifiers: ClinVar variation 3895407 (VCV003895407.1), dbSNP rs141915411.

ClinVar aggregate classification (germline): Likely benign (1 of 4 stars; one submission).

gnomAD v4.1: 57 of 1,614,200 alleles (0.0035%); highest among the groups gnomAD compares: Middle Eastern, 0.033%; 2 homozygotes.

Submission:

Molecular Diagnostic Laboratory for Inherited Cardiovascular Disease, Montreal Heart Institute
Classification: Likely benign. Last evaluated: 2025-04-09. Review status: criteria provided, single submitter. Criteria: ACMG Guidelines, 2015. Collection method: clinical testing. Allele origin: germline. Affected: no.
Comment: BP7